The following is an entry in ClinVar:

ClinVar aggregate classification (germline): Uncertain significance. Review status: criteria provided, multiple submitters, no conflicts (2 of 4 stars). 2 submissions from 2 submitters: Uncertain significance (2). Last evaluated 2023-12-20.

Conditions:
Inborn genetic diseases. Identifiers: MedGen C0950123, MeSH D030342.

Allele frequency attached by ClinVar (database versions not stated): 1000 Genomes Project 0.00060; gnomAD exomes 0.00003; gnomAD 0.00004; ExAC 0.00007; 1000 Genomes Project 30x 0.00047.
gnomAD v4.1: 57 of 1,614,148 alleles (0.0035%); highest among the groups gnomAD compares: East Asian, 0.11%; no homozygotes.

Submissions (2):

Ambry Genetics
Classification: Uncertain significance for Inborn genetic diseases. Last evaluated: 2023-12-20. Review status: criteria provided, single submitter. Criteria: Ambry Variant Classification Scheme 2023. Collection method: clinical testing. Allele origin: germline.

Labcorp Genetics (formerly Invitae), Labcorp
Classification: Uncertain significance. Last evaluated: 2022-09-27. Review status: criteria provided, single submitter. Criteria: Invitae Variant Classification Sherloc (09022015). Collection method: clinical testing. Allele origin: germline.
Comment: This sequence change replaces aspartic acid, which is acidic and polar, with asparagine, which is neutral and polar, at codon 229 of the TRAPPC9 protein (p.Asp229Asn). This variant is present in population databases (rs199691323, gnomAD 0.1%). This variant has not been reported in the literature in individuals affected with TRAPPC9-related conditions. Algorithms developed to predict the effect of missense changes on protein structure and function are either unavailable or do not agree on the potential impact of this missense change (SIFT: "Not Available"; PolyPhen-2: "Probably Damaging"; Align-GVGD: "Not Available"). In summary, the available evidence is currently insufficient to determine the role of this variant in disease. Therefore, it has been classified as a Variant of Uncertain Significance.

NM_001160372.4(TRAPPC9):c.391G>A (p.Asp131Asn)

Gene: TRAPPC9 (trafficking protein particle complex subunit 9; minus strand). Cytogenetic location: 8q24.3.
Variant type: single nucleotide variant.
Coding change: c.391G>A on transcript NM_001160372.4 (MANE Select); coding-DNA position 391, G replaced by A.
Protein change: p.Asp131Asn; replaces aspartic acid 131 with asparagine.
Molecular consequence: missense variant. On other transcripts: non-coding transcript variant (1).
Genome position (GRCh38, 1-based): chr8:140,450,983, C>T on the plus strand (G>A on the coding strand, the complement: TRAPPC9 is on the minus strand). VCF-style: chr8-140450983-C-T. GRCh37 (hg19) VCF-style: chr8-141461082-C-T.
Other names: c.391G>A, p.Asp131Asn (NM_001321646.2, NM_001374682.1, NM_001374683.1 and 2 more transcripts); c.685G>A (NM_031466.5); short protein forms D131N.
Identifiers: ClinVar variation 2065340 (VCV002065340.2), dbSNP rs199691323, ClinGen allele CA4893738.
Genomic context (GRCh38, chr8:140,450,983, plus strand): 5'-AGTCCTCGATTCTCTTCTCCACCGTCTGGCAGTCCTCGTAGTTGGGGTAGAAAGCCACGT[C>T]GGTGCGCGGCTGCTCCACGATCTCCCCCTGCAGCCCGAAGACAAAGAGCCGGGAGTCATA-3'
Protein context (NP_001153844.1, residues 121-141): QGEIVEQPRT[Asp131Asn]VAFYPNYEDC